The following is an entry in ClinVar:

ClinVar aggregate classification (germline): Conflicting classifications of pathogenicity. Review status: criteria provided, conflicting classifications (1 of 4 stars). 3 submissions from 3 submitters: Uncertain significance (2); Likely benign (1). Last evaluated 2025-11-12.

Conditions:
Neurodevelopmental disorder with or without hyperkinetic movements and seizures, autosomal dominant. Also called: Intellectual disability, autosomal dominant 8. Identifiers: MedGen C3280282, MONDO:0013655, OMIM 614254.
Intellectual disability. Also called: Intellectual functioning disability; intellectual disabilities; Intellectual developmental disorder. Identifiers: MedGen C3714756, MeSH D008607, MONDO:0001071, HP:0001249.

Allele frequency attached by ClinVar (database versions not stated): gnomAD 0.00001; TOPMed below 0.00001.
gnomAD v4.1: 2 of 1,614,088 alleles (0.00012%); highest among the groups gnomAD compares: Admixed American, 0.0017%; no homozygotes.

Submissions (3):

Labcorp Genetics (formerly Invitae), Labcorp
Classification: Uncertain significance for Neurodevelopmental disorder with or without hyperkinetic movements and seizures, autosomal dominant. Last evaluated: 2025-11-12. Review status: criteria provided, single submitter. Criteria: Invitae Variant Classification Sherloc (09022015). Collection method: clinical testing. Allele origin: germline.
Comment: This sequence change replaces threonine, which is neutral and polar, with asparagine, which is neutral and polar, at codon 123 of the GRIN1 protein (p.Thr123Asn). This variant is not present in population databases (gnomAD no frequency). This variant has not been reported in the literature in individuals affected with GRIN1-related conditions. ClinVar contains an entry for this variant (Variation ID: 562023). Invitae Evidence Modeling of protein sequence and biophysical properties (such as structural, functional, and spatial information, amino acid conservation, physicochemical variation, residue mobility, and thermodynamic stability) indicates that this missense variant is not expected to disrupt GRIN1 protein function with a negative predictive value of 95%. In summary, the available evidence is currently insufficient to determine the role of this variant in disease. Therefore, it has been classified as a Variant of Uncertain Significance.

GeneDx
Classification: Uncertain significance. Last evaluated: 2019-04-10. Review status: criteria provided, single submitter. Criteria: GeneDx Variant Classification Process June 2021. Collection method: clinical testing. Allele origin: germline. Affected: yes.
Comment: Not observed in large population cohorts (Lek et al., 2016); In silico analysis, which includes protein predictors and evolutionary conservation, supports that this variant does not alter protein structure/function; Has not been previously published as pathogenic or benign to our knowledge

Centre de Biologie Pathologie Génétique, Centre Hospitalier Universitaire de Lille
Classification: Likely benign for Intellectual disability. Last evaluated: 2017-01-01. Review status: criteria provided, single submitter. Criteria: ACMG Guidelines, 2015. Collection method: clinical testing. Allele origin: maternal. Affected: no.

NM_007327.4(GRIN1):c.368C>A (p.Thr123Asn)

Gene: GRIN1 (glutamate ionotropic receptor NMDA type subunit 1; plus strand). Cytogenetic location: 9q34.3.
Variant type: single nucleotide variant.
Coding change: c.368C>A on transcript NM_007327.4 (MANE Select); coding-DNA position 368, C replaced by A.
Protein change: p.Thr123Asn; replaces threonine 123 with asparagine.
Molecular consequence: missense variant.
Genome position (GRCh38, 1-based): chr9:137,142,122, C>A. VCF-style: chr9-137142122-C-A. GRCh37 (hg19) VCF-style: chr9-140036574-C-A.
Other names: c.368C>A, p.Thr123Asn (NM_000832.7, NM_001185090.2, NM_001185091.2 and 1 more transcripts); short protein forms T123N.
Identifiers: ClinVar variation 562023 (VCV000562023.10), dbSNP rs1564340685, ClinGen allele CA375713735.